The following is an entry in ClinVar:

NM_001163809.2(WDR81):c.5103C>T (p.Phe1701=)

Gene: WDR81 (WD repeat domain 81; plus strand). Cytogenetic location: 17p13.3.
Variant type: single nucleotide variant.
Coding change: c.5103C>T on transcript NM_001163809.2 (MANE Select); coding-DNA position 5103, C replaced by T.
Protein change: p.Phe1701=; no amino-acid change (phenylalanine 1701 retained).
Molecular consequence: synonymous variant.
Genome position (GRCh38, 1-based): chr17:1,734,140, C>T. VCF-style: chr17-1734140-C-T. GRCh37 (hg19) VCF-style: chr17-1637434-C-T.
Other names: c.1494C>T, p.Phe498= (NM_001163673.2); c.1422C>T, p.Phe474= (NM_001163811.2); c.1950C>T, p.Phe650= (NM_152348.4).
Identifiers: ClinVar variation 727558 (VCV000727558.7), dbSNP rs150462855, ClinGen allele CA8273757.

ClinVar aggregate classification (germline): Conflicting classifications of pathogenicity. Review status: criteria provided, conflicting classifications (1 of 4 stars). 4 submissions from 4 submitters: Uncertain significance (1); Likely benign (3). Last evaluated 2025-10-16.

Allele frequency attached by ClinVar (database versions not stated): gnomAD exomes 0.00003 and 0.00009; ExAC 0.00015; 1000 Genomes Project 30x 0.00031; 1000 Genomes Project 0.00040; gnomAD 0.00046 and 0.00048; TOPMed 0.00052; ESP Exome Variant Server 0.00069.
gnomAD v4.1: 126 of 1,599,332 alleles (0.0079%); highest among the groups gnomAD compares: African/African-American, 0.14%; no homozygotes.

Submissions (4):

Greenwood Genetic Center Diagnostic Laboratories, Greenwood Genetic Center
Classification: Uncertain significance. Last evaluated: 2025-10-16. Review status: criteria provided, single submitter. Criteria: ACMG Guidelines, 2015. Collection method: clinical testing. Allele origin: germline. Affected: yes.
Comment: PM2

Blueprint Genetics
Classification: Likely benign. Last evaluated: 2022-03-21. Review status: criteria provided, single submitter. Criteria: ACMG Guidelines, 2015. Collection method: clinical testing. Allele origin: germline.

Labcorp Genetics (formerly Invitae), Labcorp
Classification: Likely benign. Last evaluated: 2019-12-31. Review status: criteria provided, single submitter. Criteria: Invitae Variant Classification Sherloc (09022015). Collection method: clinical testing. Allele origin: germline.

Breakthrough Genomics
Classification: Likely benign. Review status: criteria provided, single submitter. Criteria: ACMG Guidelines, 2015. Collection method: not provided. Allele origin: germline. Inheritance: Autosomal recessive inheritance. Affected: yes.